The following is an entry in ClinVar:

ClinVar aggregate classification (germline): Uncertain significance (1 of 4 stars; one submission).

Conditions:
Hereditary spastic paraplegia 8 (SPG8). Also called: SPASTIC PARAPLEGIA 8, AUTOSOMAL DOMINANT. Identifiers: Orphanet 100989, MedGen C1863704, MONDO:0011339, OMIM 603563.
Ritscher-Schinzel syndrome. Also called: CRANIOCEREBELLOCARDIAC DYSPLASIA. Identifiers: Orphanet 7, MedGen C0796137, MONDO:0019078.

Allele frequency attached by ClinVar (database versions not stated): TOPMed 0.00003; gnomAD 0.00004 and 0.00003; gnomAD exomes 0.00001 and below 0.00001.
gnomAD v4.1: 13 of 1,592,872 alleles (0.00082%); highest among the groups gnomAD compares: Non-Finnish European, 0.0011%; no homozygotes.

Submission:

Labcorp Genetics (formerly Invitae), Labcorp
Classification: Uncertain significance for Ritscher-Schinzel syndrome; Hereditary spastic paraplegia 8. Last evaluated: 2023-10-03. Review status: criteria provided, single submitter. Criteria: Invitae Variant Classification Sherloc (09022015). Collection method: clinical testing. Allele origin: germline.
Comment: This sequence change replaces isoleucine, which is neutral and non-polar, with threonine, which is neutral and polar, at codon 292 of the WASHC5 protein (p.Ile292Thr). This variant is present in population databases (no rsID available, gnomAD 0.0009%). This missense change has been observed in individual(s) with clinical features of hereditary spastic paraplegia (Invitae). It has also been observed to segregate with disease in related individuals. ClinVar contains an entry for this variant (Variation ID: 954858). Advanced modeling of protein sequence and biophysical properties (such as structural, functional, and spatial information, amino acid conservation, physicochemical variation, residue mobility, and thermodynamic stability) performed at Invitae indicates that this missense variant is not expected to disrupt WASHC5 protein function. In summary, the available evidence is currently insufficient to determine the role of this variant in disease. Therefore, it has been classified as a Variant of Uncertain Significance.

NM_014846.4(WASHC5):c.875T>C (p.Ile292Thr)

Gene: WASHC5 (WASH complex subunit 5; minus strand). Cytogenetic location: 8q24.13.
Variant type: single nucleotide variant.
Coding change: c.875T>C on transcript NM_014846.4 (MANE Select); coding-DNA position 875, T replaced by C.
Protein change: p.Ile292Thr; replaces isoleucine 292 with threonine.
Molecular consequence: missense variant.
Genome position (GRCh38, 1-based): chr8:125,075,101, A>G on the plus strand (T>C on the coding strand, the complement: WASHC5 is on the minus strand). VCF-style: chr8-125075101-A-G. GRCh37 (hg19) VCF-style: chr8-126087343-A-G.
Other names: c.431T>C, p.Ile144Thr (NM_001330609.2); short protein forms I144T, I292T.
Identifiers: ClinVar variation 954858 (VCV000954858.9), dbSNP rs1218811554, ClinGen allele CA372195068.